The following is an entry in ClinVar:

ClinVar aggregate classification (germline): Uncertain significance. Review status: reviewed by expert panel (3 of 4 stars). 6 submissions from 6 submitters: Uncertain significance (1). 5 of the submissions do not count toward it. Last evaluated 2024-10-29.

Conditions:
Inborn genetic diseases. Identifiers: MedGen C0950123, MeSH D030342.
Acute myeloid leukemia (AML). Also called: Acute myeloid leukemia, adult; AML adult; Acute non-lymphocytic leukemia; Acute granulocytic leukemia; Leukemia, acute myeloid, somatic; Leukemia, acute myelogenous, somatic. Identifiers: Orphanet 519, MedGen C0023467, MeSH D015470, MONDO:0018874, OMIM 601626, HP:0004808. Disease mechanism: Constitutively activated FLT3.
Hereditary thrombocytopenia and hematologic cancer predisposition syndrome. Identifiers: Orphanet 71290, MedGen CN281654, MONDO:0011071.
Hereditary thrombocytopenia and hematological cancer predisposition syndrome associated with RUNX1. Also called: Familial Platelet Disorder with Propensity to Acute Myelogenous Leukemia; Familial thrombocytopenia with propensity to acute myelogenous leukemia; RUNX1 Familial Platelet Disorder with Associated Myeloid Malignancies; PLATELET DISORDER, ASPIRIN-LIKE. Identifiers: Orphanet 71290, MedGen C1832388, MeSH C563324, MONDO:0100083, OMIM 601399.

Allele frequency attached by ClinVar (database versions not stated): gnomAD exomes below 0.00001 and 0.00001; TOPMed below 0.00001; gnomAD 0.00001.
gnomAD v4.1: 5 of 1,597,286 alleles (0.00031%); highest among the groups gnomAD compares: African/African-American, 0.0027%; no homozygotes.

Submissions (6):

ClinGen Myeloid Malignancy Variant Curation Expert Panel
Classification: Uncertain significance for Hereditary thrombocytopenia and hematologic cancer predisposition syndrome. Last evaluated: 2024-10-29. Review status: reviewed by expert panel. Criteria: ClinGen MyeloMalig ACMG Specifications v2. Collection method: curation. Allele origin: germline. Inheritance: Autosomal dominant inheritance.
Comment: NM_001754.5(RUNX1):c.657G>C (p.Leu219Phe) is a missense variant which does not meet any ACMG/AMP criteria. In summary, the clinical significance of this variant is uncertain. ACMG/AMP criteria applied, as specified by the Myeloid Malignancy Variant Curation Expert Panel for RUNX1: None.

Dasa
Classification: Uncertain significance. Last evaluated: 2026-01-05. Review status: criteria provided, single submitter. Criteria: DASA Assertion Criteria. Collection method: clinical testing. Allele origin: germline. Not counted in ClinVar's aggregate classification.
Comment: NM_001754.5(RUNX1):c.657G>C (p.Leu219Phe) is a missense variant that results in the substitution of leucine with phenylalanine. This variant is rare in population databases. The currently available literature and clinical evidence are not sufficient to establish a definitive association between this variant and the reported condition. Therefore, this variant is classified as a variant of uncertain significance.

Ambry Genetics
Classification: Uncertain significance for Inborn genetic diseases. Last evaluated: 2025-10-30. Review status: criteria provided, single submitter. Criteria: Ambry Variant Classification Scheme 2023. Collection method: clinical testing. Allele origin: germline. Not counted in ClinVar's aggregate classification.

Labcorp Genetics (formerly Invitae), Labcorp
Classification: Uncertain significance for Hereditary thrombocytopenia and hematological cancer predisposition syndrome associated with RUNX1. Last evaluated: 2025-07-31. Review status: criteria provided, single submitter. Criteria: Invitae Variant Classification Sherloc (09022015). Collection method: clinical testing. Allele origin: germline. Not counted in ClinVar's aggregate classification.
Comment: This sequence change replaces leucine, which is neutral and non-polar, with phenylalanine, which is neutral and non-polar, at codon 219 of the RUNX1 protein (p.Leu219Phe). The frequency data for this variant in the population databases is considered unreliable, as metrics indicate poor data quality at this position in the gnomAD database. This variant has not been reported in the literature in individuals affected with RUNX1-related conditions. ClinVar contains an entry for this variant (Variation ID: 664394). Invitae Evidence Modeling of protein sequence and biophysical properties (such as structural, functional, and spatial information, amino acid conservation, physicochemical variation, residue mobility, and thermodynamic stability) has been performed for this missense variant. However, the output from this modeling did not meet the statistical confidence thresholds required to predict the impact of this variant on RUNX1 protein function. In summary, the available evidence is currently insufficient to determine the role of this variant in disease. Therefore, it has been classified as a Variant of Uncertain Significance.

Baylor Genetics
Classification: Uncertain significance for Acute myeloid leukemia. Last evaluated: 2024-02-19. Review status: criteria provided, single submitter. Criteria: ACMG Guidelines, 2015. Collection method: clinical testing. Allele origin: unknown. Not counted in ClinVar's aggregate classification.

GeneDx
Classification: Uncertain significance. Last evaluated: 2023-04-20. Review status: criteria provided, single submitter. Criteria: GeneDx Variant Classification Process June 2021. Collection method: clinical testing. Allele origin: germline. Affected: yes. Not counted in ClinVar's aggregate classification.
Comment: Not observed at significant frequency in large population cohorts (gnomAD); In silico analysis supports that this missense variant does not alter protein structure/function; Has not been previously published as pathogenic or benign to our knowledge

NM_001754.5(RUNX1):c.657G>C (p.Leu219Phe)

Gene: RUNX1 (RUNX family transcription factor 1; minus strand). Cytogenetic location: 21q22.12.
Variant type: single nucleotide variant.
Coding change: c.657G>C on transcript NM_001754.5 (MANE Select); coding-DNA position 657, G replaced by C.
Protein change: p.Leu219Phe; replaces leucine 219 with phenylalanine.
Molecular consequence: missense variant.
Genome position (GRCh38, 1-based): chr21:34,834,558, C>G on the plus strand (G>C on the coding strand, the complement: RUNX1 is on the minus strand). VCF-style: chr21-34834558-C-G. GRCh37 (hg19) VCF-style: chr21-36206855-C-G.
Other names: NM_001754.5(RUNX1):c.657G>C; p.Leu219Phe; c.576G>C, p.Leu192Phe (NM_001001890.3, NM_001122607.2); short protein forms L192F, L219F.
Identifiers: ClinVar variation 664394 (VCV000664394.16), dbSNP rs1425437469, ClinGen allele CA410207009.